The following is an entry in ClinVar:

ClinVar aggregate classification (germline): Likely benign (1 of 4 stars; one submission).

gnomAD v4.1: 2 of 1,614,202 alleles (0.00012%); highest among the groups gnomAD compares: Non-Finnish European, 0.00017%; no homozygotes.

Submission:

CeGaT Center for Human Genetics Tuebingen
Classification: Likely benign. Last evaluated: 2026-08-01. Review status: criteria provided, single submitter. Criteria: CeGaT Center For Human Genetics Tuebingen Variant Classification Criteria Version 2. Collection method: clinical testing. Allele origin: germline. Affected: yes. Observed: 1 variant allele.
Comment: SCO1: BP4, BP7

NM_004589.4(SCO1):c.519T>C (p.Cys173=)

Gene: SCO1 (synthesis of cytochrome C oxidase 1; minus strand). Cytogenetic location: 17p13.1.
Variant type: single nucleotide variant.
Coding change: c.519T>C on transcript NM_004589.4 (MANE Select); coding-DNA position 519, T replaced by C.
Protein change: p.Cys173=; no amino-acid change (cysteine 173 retained).
Molecular consequence: synonymous variant.
Genome position (GRCh38, 1-based): chr17:10,692,807, A>G on the plus strand (T>C on the coding strand, the complement: SCO1 is on the minus strand). VCF-style: chr17-10692807-A-G. GRCh37 (hg19) VCF-style: chr17-10596124-A-G.
Identifiers: ClinVar variation 5040536 (VCV005040536.1).